The following is an entry in ClinVar:

ClinVar aggregate classification (germline): Likely pathogenic. Review status: criteria provided, multiple submitters, no conflicts (2 of 4 stars). 3 submissions from 3 submitters: Likely pathogenic (3). Last evaluated 2026-02-12.

Conditions:
Breast-ovarian cancer, familial, susceptibility to, 4. Identifiers: Orphanet 145, MedGen C3280345, MONDO:0013669, OMIM 614291.
Hereditary cancer-predisposing syndrome. Also called: Tumor predisposition; Hereditary neoplastic syndrome; Neoplastic Syndromes, Hereditary; Hereditary Cancer Syndrome. Identifiers: Orphanet 140162, MedGen C0027672, MeSH D009386, MONDO:0015356.

Allele frequency attached by ClinVar (database versions not stated): gnomAD exomes below 0.00001.
gnomAD v4.1: 1 of 1,611,756 alleles (0.000062%); highest among the groups gnomAD compares: Non-Finnish European, 0.000085%; no homozygotes.

Submissions (3):

Ambry Genetics
Classification: Likely pathogenic for Hereditary cancer-predisposing syndrome. Last evaluated: 2026-02-12. Review status: criteria provided, single submitter. Criteria: Ambry Variant Classification Scheme 2023. Collection method: clinical testing. Allele origin: germline.
Comment: The c.82+1G>A intronic variant results from a G to A substitution one nucleotide after coding exon 1 of the RAD51D gene. This nucleotide position is highly conserved in available vertebrate species. This variant is considered to be rare based on population cohorts in the Genome Aggregation Database (gnomAD). In silico splice site analysis predicts that this alteration will weaken the native splice donor site and will result in the creation or strengthening of a novel splice donor site. RNA studies have demonstrated that this variant results in abnormal splicing in the set of samples tested (Ambry internal data). Alterations that disrupt the canonical splice site are expected to cause aberrant splicing, resulting in an abnormal protein or a transcript that is subject to nonsense-mediated mRNA decay. As such, this alteration is classified as likely pathogenic.

Myriad Genetics, Inc.
Classification: Likely pathogenic for Breast-ovarian cancer, familial, susceptibility to, 4. Last evaluated: 2024-01-03. Review status: criteria provided, single submitter. Criteria: Myriad Autosomal Dominant, Autosomal Recessive and X-Linked Classification Criteria (2023). Collection method: clinical testing. Allele origin: unknown.
Comment: This variant is considered likely pathogenic. This variant occurs within a consensus splice junction and is predicted to result in abnormal mRNA splicing of either an out-of-frame exon or an in-frame exon necessary for protein stability and/or normal function.

Labcorp Genetics (formerly Invitae), Labcorp
Classification: Likely pathogenic for Breast-ovarian cancer, familial, susceptibility to, 4. Last evaluated: 2024-01-02. Review status: criteria provided, single submitter. Criteria: Invitae Variant Classification Sherloc (09022015). Collection method: clinical testing. Allele origin: germline.
Comment: This sequence change affects a donor splice site in intron 1 of the RAD51D gene. It is expected to disrupt RNA splicing. Variants that disrupt the donor or acceptor splice site typically lead to a loss of protein function (PMID: 16199547), and loss-of-function variants in RAD51D are known to be pathogenic (PMID: 21822267). This variant is not present in population databases (gnomAD no frequency). Disruption of this splice site has been observed in individual(s) with ovarian cancer (PMID: 28888541). ClinVar contains an entry for this variant (Variation ID: 186222). Studies have shown that disruption of this splice site is associated with inconclusive levels of altered splicing (Invitae). In summary, the currently available evidence indicates that the variant is pathogenic, but additional data are needed to prove that conclusively. Therefore, this variant has been classified as Likely Pathogenic.

Literature cited by the submitters: PubMed 16199547 (cited by Labcorp Genetics (formerly Invitae), Labcorp); PubMed 21822267 (cited by Labcorp Genetics (formerly Invitae), Labcorp); PubMed 28888541 (cited by Labcorp Genetics (formerly Invitae), Labcorp).

NM_002878.4(RAD51D):c.82+1G>A

Genes: RAD51D (RAD51 paralog D; minus strand), RAD51L3-RFFL (RAD51L3-RFFL readthrough; minus strand). Cytogenetic location: 17q12.
Variant type: single nucleotide variant.
Coding change: c.82+1G>A on transcript NM_002878.4 (MANE Select); the canonical splice donor site of the intron after coding-DNA position 82, G replaced by A.
Molecular consequence: splice donor variant.
Genome position (GRCh38, 1-based): chr17:35,119,531, C>T on the plus strand (G>A on the coding strand, the complement: RAD51D is on the minus strand). VCF-style: chr17-35119531-C-T. GRCh37 (hg19) VCF-style: chr17-33446550-C-T.
Other names: c.82+1G>A (NM_133629.3, NM_001142571.2).
Identifiers: ClinVar variation 186222 (VCV000186222.13), dbSNP rs786202788, ClinGen allele CA194190.